The following is an entry in ClinVar:

ClinVar aggregate classification (germline): Uncertain significance (1 of 4 stars; one submission).

Conditions:
Craniofacial microsomia 1 (CFM1). Also called: Hemifacial microsomia. Identifiers: Orphanet 374, MedGen C3495417, MONDO:0958175, OMIM 164210.

gnomAD v4.1: 39 of 1,610,828 alleles (0.0024%); highest among the groups gnomAD compares: Middle Eastern, 0.034%; no homozygotes.

Submissions (2):

Neuberg Centre For Genomic Medicine, NCGM
Classification: Uncertain significance for Craniofacial microsomia 1. Last evaluated: 2023-06-02. Review status: criteria provided, single submitter. Criteria: ACMG Guidelines, 2015. Collection method: clinical testing. Allele origin: germline. Inheritance: Autosomal dominant inheritance. Affected: yes.
Comment: The observed missense c.2321C>T(p.Ala774Val) variant in SF3B2 gene has not been reported previously as a pathogenic variant nor as a benign variant, to our knowledge. This variant is present with an allele frequency of 0.005% in gnomAD Exomes database. This variant has not been submitted to the ClinVar database. Computational evidence (Polyphen - possibly damaging, SIFT - Tolerated and MutationTaster -disease causing) predicts conflicting evidence on protein structure and function for this variant. The reference amino acid in SF3B2 is predicted as conserved by GERP++ and PhyloP across 100 vertebrates. The amino acid Ala at position 774 is changed to a Val changing protein sequence and it might alter its composition and physico-chemical properties. For these reasons, this variant has been classified as Uncertain Significance (VUS).

Dr. Peter K. Rogan Lab, Western University
No classification provided (evidence only). Condition: Hepatocellular carcinoma. Review status: no classification provided. Collection method: in vitro. Allele origin: not applicable. Functional consequence: retained intron. Not counted in ClinVar's aggregate classification.

NM_006842.3(SF3B2):c.2321C>T (p.Ala774Val)

Gene: SF3B2 (splicing factor 3b subunit 2; plus strand). Cytogenetic location: 11q13.1.
Variant type: single nucleotide variant.
Coding change: c.2321C>T on transcript NM_006842.3 (MANE Select); coding-DNA position 2321, C replaced by T.
Protein change: p.Ala774Val; replaces alanine 774 with valine.
Molecular consequence: missense variant.
Genome position (GRCh38, 1-based): chr11:66,063,720, C>T. VCF-style: chr11-66063720-C-T. GRCh37 (hg19) VCF-style: chr11-65831191-C-T.
Other names: NC_000011.9:g.65831191C>T; short protein forms A774V.
Identifiers: ClinVar variation 3362286 (VCV003362286.4).